The following is an entry in ClinVar:

ClinVar aggregate classification (germline): Uncertain significance (1 of 4 stars; one submission).

Conditions:
Familial melanoma. Also called: Hereditary melanoma; Hereditary cutaneous melanoma. Identifiers: Orphanet 618, MedGen C1512419, MONDO:0018961.

Submission:

Labcorp Genetics (formerly Invitae), Labcorp
Classification: Uncertain significance for Familial melanoma. Last evaluated: 2021-06-12. Review status: criteria provided, single submitter. Criteria: Invitae Variant Classification Sherloc (09022015). Collection method: clinical testing. Allele origin: germline.
Comment: This variant, c.558_560del, results in the deletion of 1 amino acid(s) of the CDK4 protein (p.Leu187del), but otherwise preserves the integrity of the reading frame. This variant is not present in population databases (ExAC no frequency). This variant has not been reported in the literature in individuals with CDK4-related conditions. Experimental studies and prediction algorithms are not available or were not evaluated, and the functional significance of this variant is currently unknown. In summary, the available evidence is currently insufficient to determine the role of this variant in disease. Therefore, it has been classified as a Variant of Uncertain Significance.

NM_000075.4(CDK4):c.555TCT[1] (p.Leu187del)

Gene: CDK4 (cyclin dependent kinase 4; minus strand). Cytogenetic location: 12q14.1.
Variant type: Microsatellite.
Coding change: c.555TCT[1] on transcript NM_000075.4 (MANE Select); one copy of the 3-base unit TCT starting at c.555; the reference has two copies in a row; one copy, 3 bases deleted.
Protein change: p.Leu187del; deletes leucine 187.
Molecular consequence: inframe deletion.
Genome position (GRCh38, 1-based): chr12:57,750,728-57,750,730, AGA deleted on the plus strand (TCT on the coding strand, the reverse complement: CDK4 is on the minus strand); deleting any 3 consecutive bases within chr12:57,750,728-57,750,734 gives the same sequence; the position shown is the placement nearest the transcript's 3' end. VCF-style (leftmost placement, unchanged base first): chr12-57750727-CAGA-C. GRCh37 (hg19) VCF-style: chr12-58144510-CAGA-C.
Other names: short protein forms L187del.
Identifiers: ClinVar variation 1472644 (VCV001472644.8), dbSNP rs2140385796, ClinGen allele CA2580616825.